The following is an entry in ClinVar:

NM_000426.4(LAMA2):c.6868-338T>C

Gene: LAMA2 (laminin subunit alpha 2; plus strand). Cytogenetic location: 6q22.33.
Variant type: single nucleotide variant.
Coding change: c.6868-338T>C on transcript NM_000426.4 (MANE Select); 338 bases into the intron before coding-DNA position 6868, T replaced by C.
Molecular consequence: intron variant.
Genome position (GRCh38, 1-based): chr6:129,459,862, T>C. VCF-style: chr6-129459862-T-C. GRCh37 (hg19) VCF-style: chr6-129781007-T-C.
Other names: c.6868-338T>C (NM_001079823.2).
Identifiers: ClinVar variation 684027 (VCV000684027.1), dbSNP rs10499157, ClinGen allele CA146888237.
Genomic context (GRCh38, chr6:129,459,862, plus strand): 5'-GGCACTGAGATTGGTGTCATAAATAAATTATCTAACTTTATTCTCACAAAAATTCCACAT[T>C]ACAGACAAAAGAATAGAATTGTGGAGAAGGTCAGCAGCTCACCTAAAGTTAGAAGCTAGG-3'

ClinVar aggregate classification (germline): Benign (1 of 4 stars; one submission).

Allele frequency attached by ClinVar (database versions not stated): gnomAD 0.14804 and 0.14913; TOPMed 0.15236; 1000 Genomes Project 30x 0.17942; 1000 Genomes Project 0.17991.
gnomAD v4.1: 22,762 of 151,974 alleles (15%); highest among the groups gnomAD compares: East Asian, 21%; 1,806 homozygotes.

Submission:

GeneDx
Classification: Benign. Last evaluated: 2018-06-19. Review status: criteria provided, single submitter. Criteria: GeneDx Variant Classification (06012015). Collection method: clinical testing. Allele origin: germline. Affected: yes.
Comment: This variant is considered likely benign or benign based on one or more of the following criteria: it is a conservative change, it occurs at a poorly conserved position in the protein, it is predicted to be benign by multiple in silico algorithms, and/or has population frequency not consistent with disease.